The following is an entry in ClinVar:

NM_014975.3(MAST1):c.982C>T (p.Leu328=)

Gene: MAST1 (microtubule associated serine/threonine kinase 1; plus strand). Cytogenetic location: 19p13.13.
Variant type: single nucleotide variant.
Coding change: c.982C>T on transcript NM_014975.3 (MANE Select); coding-DNA position 982, C replaced by T.
Protein change: p.Leu328=; no amino-acid change (leucine 328 retained).
Molecular consequence: synonymous variant.
Genome position (GRCh38, 1-based): chr19:12,852,220, C>T. VCF-style: chr19-12852220-C-T. GRCh37 (hg19) VCF-style: chr19-12963034-C-T.
Identifiers: ClinVar variation 3347524 (VCV003347524.1).
Genomic context (GRCh38, chr19:12,852,220, plus strand): 5'-GGACACGCCAAGGAGGGCCACCTTGTGAAGACGGACATCCCCCGCTACATCATCCGCCAG[C>T]TGGGCCTCACCCGTGACCCCTTTCCAGGTGCCGGCTGGTGGGCGCAGGGGGACTGGGGGT-3'
Protein context (NP_055790.1, residues 318-338): TDIPRYIIRQ[Leu328=]GLTRDPFPDV

ClinVar aggregate classification (germline): Likely benign (0 of 4 stars; one submission).

Conditions:
MAST1-related disorder. Also called: MAST1-related condition.

gnomAD v4.1: 7 of 1,614,126 alleles (0.00043%); highest among the groups gnomAD compares: Non-Finnish European, 0.00059%; no homozygotes.

Submission:

PreventionGenetics, part of Exact Sciences
Classification: Likely benign for MAST1-related condition. Last evaluated: 2024-05-21. Review status: no assertion criteria provided. Collection method: clinical testing. Allele origin: germline.
Comment: This variant is classified as likely benign based on ACMG/AMP sequence variant interpretation guidelines (Richards et al. 2015 PMID: 25741868, with internal and published modifications).